The following is an entry in ClinVar:

ClinVar aggregate classification (germline): Uncertain significance (1 of 4 stars; one submission).

Conditions:
CD164-related disorder. Also called: CD164-related condition.

gnomAD v4.1: 128 of 1,540,908 alleles (0.0083%); highest among the groups gnomAD compares: Non-Finnish European, 0.011%; no homozygotes.

Submission:

PreventionGenetics, part of Exact Sciences
Classification: Uncertain significance for CD164-related condition. Last evaluated: 2026-02-23. Review status: criteria provided, single submitter. Criteria: ACMG Guidelines, 2015. Collection method: clinical testing. Allele origin: germline.
Comment: The CD164 c.438C>G variant is predicted to result in the amino acid substitution p.Cys146Trp. To our knowledge, this variant has not been reported in the literature. This variant is reported in 0.010% of alleles in individuals of European (Non-Finnish) descent in gnomAD. Although we suspect that this variant may be benign, at this time, the clinical significance of this variant is uncertain due to the absence of conclusive functional and genetic evidence.

NM_006016.6(CD164):c.*536C>G

Gene: CD164 (CD164 molecule; minus strand). Cytogenetic location: 6q21.
Variant type: single nucleotide variant.
Coding change: c.*536C>G on transcript NM_006016.6 (MANE Select); 536 bases downstream of the stop codon, C replaced by G.
Molecular consequence: 3 prime UTR variant. On other transcripts: missense variant (2).
Genome position (GRCh38, 1-based): chr6:109,368,315, G>C on the plus strand (C>G on the coding strand, the complement: CD164 is on the minus strand). VCF-style: chr6-109368315-G-C. GRCh37 (hg19) VCF-style: chr6-109689518-G-C.
Other names: c.*536C>G (NM_001142401.3, NM_001142402.3, NM_001346500.2); c.534C>G, p.Cys178Trp (NM_001142403.3); c.438C>G, p.Cys146Trp (NM_001142404.3); short protein forms C146W, C178W.
Identifiers: ClinVar variation 4978263 (VCV004978263.1).